The following is an entry in ClinVar:

ClinVar aggregate classification (germline): Uncertain significance. Review status: criteria provided, multiple submitters, no conflicts (2 of 4 stars). 2 submissions from 2 submitters: Uncertain significance (2). Last evaluated 2026-01-05.

Conditions:
Inborn genetic diseases. Identifiers: MedGen C0950123, MeSH D030342.

Allele frequency attached by ClinVar (database versions not stated): gnomAD exomes 0.00001; ExAC 0.00002; gnomAD 0.00005 and 0.00006; ESP Exome Variant Server 0.00008; TOPMed 0.00008.

Submissions (2):

Labcorp Genetics (formerly Invitae), Labcorp
Classification: Uncertain significance. Last evaluated: 2026-01-05. Review status: criteria provided, single submitter. Criteria: Invitae Variant Classification Sherloc (09022015). Collection method: clinical testing. Allele origin: germline.
Comment: This sequence change replaces alanine, which is neutral and non-polar, with valine, which is neutral and non-polar, at codon 1497 of the WDR62 protein (p.Ala1497Val). This variant is present in population databases (rs375753456, gnomAD 0.01%). This variant has not been reported in the literature in individuals affected with WDR62-related conditions. ClinVar contains an entry for this variant (Variation ID: 1415448). An algorithm developed to predict the effect of missense changes on protein structure and function (PolyPhen-2) suggests that this variant is likely to be disruptive. In summary, the available evidence is currently insufficient to determine the role of this variant in disease. Therefore, it has been classified as a Variant of Uncertain Significance.

Ambry Genetics
Classification: Uncertain significance for Inborn genetic diseases. Last evaluated: 2025-01-10. Review status: criteria provided, single submitter. Criteria: Ambry Variant Classification Scheme 2023. Collection method: clinical testing. Allele origin: germline.

NM_001083961.2(WDR62):c.4490C>T (p.Ala1497Val)

Gene: WDR62 (WD repeat domain 62; plus strand). Cytogenetic location: 19q13.12.
Variant type: single nucleotide variant.
Coding change: c.4490C>T on transcript NM_001083961.2 (MANE Select); coding-DNA position 4490, C replaced by T.
Protein change: p.Ala1497Val; replaces alanine 1497 with valine.
Molecular consequence: missense variant.
Genome position (GRCh38, 1-based): chr19:36,104,946, C>T. VCF-style: chr19-36104946-C-T. GRCh37 (hg19) VCF-style: chr19-36595848-C-T.
Other names: c.4475C>T, p.Ala1492Val (NM_173636.5); c.4490C>T (NM_001083961.1); short protein forms A1492V, A1497V.
Identifiers: ClinVar variation 1415448 (VCV001415448.9), dbSNP rs375753456, ClinGen allele CA9396589.